The following is an entry in ClinVar:

ClinVar aggregate classification (germline): Uncertain significance (1 of 4 stars; one submission).

Conditions:
Myopathy, proximal, and ophthalmoplegia (CMYO6). Also called: CONGENITAL MYOPATHY 6 WITH OPHTHALMOPLEGIA; MYOPATHY WITH CONGENITAL JOINT CONTRACTURES, OPHTHALMOPLEGIA, AND RIMMED VACUOLES; INCLUSION BODY MYOPATHY 3, AUTOSOMAL DOMINANT. Identifiers: Orphanet 363677, Orphanet 79091, MedGen C1854106, MONDO:0011577, OMIM 605637.

Allele frequency attached by ClinVar (database versions not stated): ExAC 0.00001; gnomAD exomes 0.00001; ESP Exome Variant Server 0.00008.
gnomAD v4.1: 7 of 1,614,124 alleles (0.00043%); highest among the groups gnomAD compares: African/African-American, 0.0027%; no homozygotes.

Submission:

Labcorp Genetics (formerly Invitae), Labcorp
Classification: Uncertain significance for Myopathy, proximal, and ophthalmoplegia. Last evaluated: 2023-04-28. Review status: criteria provided, single submitter. Criteria: Invitae Variant Classification Sherloc (09022015). Collection method: clinical testing. Allele origin: germline.
Comment: In summary, the available evidence is currently insufficient to determine the role of this variant in disease. Therefore, it has been classified as a Variant of Uncertain Significance. Advanced modeling of protein sequence and biophysical properties (such as structural, functional, and spatial information, amino acid conservation, physicochemical variation, residue mobility, and thermodynamic stability) performed at Invitae indicates that this missense variant is not expected to disrupt MYH2 protein function. ClinVar contains an entry for this variant (Variation ID: 1909396). This variant has not been reported in the literature in individuals affected with MYH2-related conditions. This variant is present in population databases (rs137996115, gnomAD 0.007%). This sequence change replaces valine, which is neutral and non-polar, with leucine, which is neutral and non-polar, at codon 62 of the MYH2 protein (p.Val62Leu).

NM_017534.6(MYH2):c.184G>C (p.Val62Leu)

Genes: MYHAS (myosin heavy chain gene cluster antisense RNA; plus strand), MYH2 (myosin heavy chain 2; minus strand). Cytogenetic location: 17p13.1.
Variant type: single nucleotide variant.
Coding change: c.184G>C on transcript NM_017534.6 (MANE Select); coding-DNA position 184, G replaced by C.
Protein change: p.Val62Leu; replaces valine 62 with leucine.
Molecular consequence: missense variant.
Genome position (GRCh38, 1-based): chr17:10,547,737, C>G on the plus strand (G>C on the coding strand, the complement: MYH2 is on the minus strand). VCF-style: chr17-10547737-C-G. GRCh37 (hg19) VCF-style: chr17-10451054-C-G.
Other names: c.184G>C, p.Val62Leu (NM_001100112.2); short protein forms V62L.
Identifiers: ClinVar variation 1909396 (VCV001909396.5), dbSNP rs137996115, ClinGen allele CA8391716.